The following is an entry in ClinVar:

NM_000059.4(BRCA2):c.2776A>G (p.Thr926Ala)

Gene: BRCA2 (BRCA2 DNA repair associated; plus strand). Cytogenetic location: 13q13.1.
Variant type: single nucleotide variant.
Coding change: c.2776A>G on transcript NM_000059.4 (MANE Select); coding-DNA position 2776, A replaced by G.
Protein change: p.Thr926Ala; replaces threonine 926 with alanine.
Molecular consequence: missense variant.
Genome position (GRCh38, 1-based): chr13:32,337,131, A>G. VCF-style: chr13-32337131-A-G. GRCh37 (hg19) VCF-style: chr13-32911268-A-G.
Other names: c.2776A>G, p.Thr926Ala (NM_001406719.1, NM_001406720.1); short protein forms T926A.
Identifiers: ClinVar variation 1920709 (VCV001920709.9), dbSNP rs2548524634, ClinGen allele CA387773695.

ClinVar aggregate classification (germline): Conflicting classifications of pathogenicity. Review status: criteria provided, conflicting classifications (1 of 4 stars). 3 submissions from 3 submitters: Uncertain significance (1); Likely benign (2). Last evaluated 2023-06-04.

Conditions:
Hereditary cancer-predisposing syndrome. Also called: Hereditary Cancer Syndrome; Hereditary neoplastic syndrome; Neoplastic Syndromes, Hereditary; Tumor predisposition. Identifiers: Orphanet 140162, MedGen C0027672, MeSH D009386, MONDO:0015356.
Hereditary breast ovarian cancer syndrome. Also called: Hereditary breast and ovarian cancer; Hereditary breast and ovarian cancer syndrome; Hereditary breast and ovarian cancer syndrome (HBOC); Hereditary breast and/or ovarian cancer syndrome; Breast and ovarian cancer; BRCA1- and BRCA2-Associated Hereditary Breast and Ovarian Cancer. Identifiers: Orphanet 145, MedGen C0677776, MeSH D061325, MONDO:0003582. Disease mechanism: loss of function.

Submissions (3):

Ambry Genetics
Classification: Likely benign for Hereditary cancer-predisposing syndrome. Last evaluated: 2023-06-04. Review status: criteria provided, single submitter. Criteria: Ambry Variant Classification Scheme 2023. Collection method: clinical testing. Allele origin: germline.

University of Washington Department of Laboratory Medicine, University of Washington
Classification: Likely benign for Hereditary cancer-predisposing syndrome. Last evaluated: 2023-03-23. Review status: criteria provided, single submitter. Criteria: Dines et al. (Genet Med. 2020). Collection method: curation. Allele origin: germline.
Comment: Missense variant in a coldspot region where missense variants are very unlikely to be pathogenic (PMID:31911673).

BRCA2 exon 11 coldspot. Reclassification based on statistical prior probability.

Labcorp Genetics (formerly Invitae), Labcorp
Classification: Uncertain significance for Hereditary breast ovarian cancer syndrome. Last evaluated: 2022-10-20. Review status: criteria provided, single submitter. Criteria: Invitae Variant Classification Sherloc (09022015). Collection method: clinical testing. Allele origin: germline.
Comment: In summary, the available evidence is currently insufficient to determine the role of this variant in disease. Therefore, it has been classified as a Variant of Uncertain Significance. Advanced modeling of protein sequence and biophysical properties (such as structural, functional, and spatial information, amino acid conservation, physicochemical variation, residue mobility, and thermodynamic stability) performed at Invitae indicates that this missense variant is not expected to disrupt BRCA2 protein function. This variant has not been reported in the literature in individuals affected with BRCA2-related conditions. This variant is not present in population databases (gnomAD no frequency). This sequence change replaces threonine, which is neutral and polar, with alanine, which is neutral and non-polar, at codon 926 of the BRCA2 protein (p.Thr926Ala).